The following is an entry in ClinVar:

NM_001042492.3(NF1):c.5609+3A>G

Gene: NF1 (neurofibromin 1; plus strand). Cytogenetic location: 17q11.2.
Variant type: single nucleotide variant.
Coding change: c.5609+3A>G on transcript NM_001042492.3 (MANE Select); 3 bases into the intron after coding-DNA position 5609, A replaced by G.
Molecular consequence: intron variant.
Genome position (GRCh38, 1-based): chr17:31,327,842, A>G. VCF-style: chr17-31327842-A-G. GRCh37 (hg19) VCF-style: chr17-29654860-A-G.
Other names: c.5546+3A>G (NM_000267.4).
Identifiers: ClinVar variation 1450964 (VCV001450964.6), dbSNP rs2151541987, ClinGen allele CA2573153411.

ClinVar aggregate classification (germline): Uncertain significance (1 of 4 stars; one submission).

Conditions:
Neurofibromatosis, type 1 (NF1). Also called: NEUROFIBROMATOSIS, TYPE I, SOMATIC; VON RECKLINGHAUSEN DISEASE; Peripheral type neurofibromatosis; Neurofibromatosis, type I. Identifiers: Orphanet 636, MedGen C0027831, MONDO:0018975, OMIM 162200. Disease mechanism: loss of function.

Submission:

Labcorp Genetics (formerly Invitae), Labcorp
Classification: Uncertain significance for Neurofibromatosis, type 1. Last evaluated: 2022-01-17. Review status: criteria provided, single submitter. Criteria: Invitae Variant Classification Sherloc (09022015). Collection method: clinical testing. Allele origin: germline.
Comment: In summary, the available evidence is currently insufficient to determine the role of this variant in disease. Therefore, it has been classified as a Variant of Uncertain Significance. Variants that disrupt the consensus splice site are a relatively common cause of aberrant splicing (PMID: 17576681, 9536098). Algorithms developed to predict the effect of sequence changes on RNA splicing suggest that this variant may disrupt the consensus splice site. This variant has not been reported in the literature in individuals affected with NF1-related conditions. This variant is not present in population databases (gnomAD no frequency). This sequence change falls in intron 37 of the NF1 gene. It does not directly change the encoded amino acid sequence of the NF1 protein. It affects a nucleotide within the consensus splice site.

Literature cited by the submitters: PubMed 17576681; PubMed 9536098.